The following is an entry in ClinVar:

NM_024422.6(DSC2):c.529G>A (p.Gly177Arg)

Gene: DSC2 (desmocollin 2; minus strand). Cytogenetic location: 18q12.1.
Variant type: single nucleotide variant.
Coding change: c.529G>A on transcript NM_024422.6 (MANE Select); coding-DNA position 529, G replaced by A.
Protein change: p.Gly177Arg; replaces glycine 177 with arginine.
Molecular consequence: missense variant.
Genome position (GRCh38, 1-based): chr18:31,089,540, C>T on the plus strand (G>A on the coding strand, the complement: DSC2 is on the minus strand). VCF-style: chr18-31089540-C-T. GRCh37 (hg19) VCF-style: chr18-28669503-C-T.
Other names: c.529G>A, p.Gly177Arg (NM_004949.5); short protein forms G177R.
Identifiers: ClinVar variation 626553 (VCV000626553.5), dbSNP rs1567981666, ClinGen allele CA402113657.
Genomic context (GRCh38, chr18:31,089,540, plus strand): 5'-AATACAAGTTTCCAGTGTCTCTCTCCACATAAAATAAATTCCGAGGTTCTTGGTCAACTC[C>T]AGGACCTCTTATGGAATAGTATATGGTATAGTTTTGGGCCGTGTCAGATTGAACCTAGAA-3'
Protein context (NP_077740.1, residues 167-187): YTIYYSIRGP[Gly177Arg]VDQEPRNLFY

ClinVar aggregate classification (germline): Uncertain significance. Review status: criteria provided, multiple submitters, no conflicts (2 of 4 stars). 4 submissions from 4 submitters: Uncertain significance (4). Last evaluated 2026-07-19.

Conditions:
Cardiomyopathy (CMYO). Also called: Cardiomyopathies. Identifiers: Orphanet 167848, MedGen C0878544, MONDO:0004994, HP:0001638. Inheritance: Various modes of inheritance.
Arrhythmogenic right ventricular dysplasia 11. Also called: Arrhythmogenic Right Ventricular Dysplasia/Cardiomyopathy11; ARRHYTHMOGENIC RIGHT VENTRICULAR DYSPLASIA, FAMILIAL, 11; Arrhythmogenic right ventricular dysplasia 11 with mild palmoplantar keratoderma and woolly hair. Identifiers: MedGen C1864850, MONDO:0012506, OMIM 610476.
Cardiovascular phenotype. Identifiers: MedGen CN230736.

Allele frequency attached by ClinVar (database versions not stated): gnomAD exomes below 0.00001.

Submissions (4):

Ambry Genetics
Classification: Uncertain significance for Cardiovascular phenotype. Last evaluated: 2026-07-19. Review status: criteria provided, single submitter. Criteria: Ambry Variant Classification Scheme 2023. Collection method: clinical testing. Allele origin: germline.

GeneDx
Classification: Uncertain significance. Last evaluated: 2026-03-15. Review status: criteria provided, single submitter. Criteria: GeneDx Variant Classification Process June 2021. Collection method: clinical testing. Allele origin: germline.
Comment: Not observed at significant frequency in large population cohorts (gnomAD); In silico analysis supports that this missense variant has a deleterious effect on protein structure/function; Has not been previously published as pathogenic or benign to our knowledge

Labcorp Genetics (formerly Invitae), Labcorp
Classification: Uncertain significance for Arrhythmogenic right ventricular dysplasia 11. Last evaluated: 2025-10-08. Review status: criteria provided, single submitter. Criteria: Invitae Variant Classification Sherloc (09022015). Collection method: clinical testing. Allele origin: germline.
Comment: This sequence change replaces glycine, which is neutral and non-polar, with arginine, which is basic and polar, at codon 177 of the DSC2 protein (p.Gly177Arg). This variant is not present in population databases (gnomAD no frequency). This variant has not been reported in the literature in individuals affected with DSC2-related conditions. ClinVar contains an entry for this variant (Variation ID: 626553). Invitae Evidence Modeling of protein sequence and biophysical properties (such as structural, functional, and spatial information, amino acid conservation, physicochemical variation, residue mobility, and thermodynamic stability) indicates that this missense variant is expected to disrupt DSC2 protein function with a positive predictive value of 80%. In summary, the available evidence is currently insufficient to determine the role of this variant in disease. Therefore, it has been classified as a Variant of Uncertain Significance.

CHEO Genetics Diagnostic Laboratory, Children's Hospital of Eastern Ontario
Classification: Uncertain significance for Cardiomyopathy. Last evaluated: 2016-09-23. Review status: criteria provided, single submitter. Criteria: ACMG Guidelines, 2015. Collection method: clinical testing. Allele origin: germline. Study: Canadian Open Genetics Repository.